The following is an entry in ClinVar:

ClinVar aggregate classification (germline): Likely benign (1 of 4 stars; one submission).

Allele frequency attached by ClinVar (database versions not stated): gnomAD 0.00003; gnomAD exomes 0.00004; TOPMed 0.00004; ExAC 0.00006.
gnomAD v4.1: 76 of 1,612,692 alleles (0.0047%); highest among the groups gnomAD compares: Middle Eastern, 0.017%; 1 homozygote.

Submission:

CeGaT Center for Human Genetics Tuebingen
Classification: Likely benign. Last evaluated: 2022-05-01. Review status: criteria provided, single submitter. Criteria: CeGaT Center For Human Genetics Tuebingen Variant Classification Criteria Version 2. Collection method: clinical testing. Allele origin: germline. Affected: yes. Observed: 1 variant allele.
Comment: MAN2B2: BP4, BP7

NM_015274.3(MAN2B2):c.840G>A (p.Pro280=)

Gene: MAN2B2 (mannosidase alpha class 2B member 2; plus strand). Cytogenetic location: 4p16.1.
Variant type: single nucleotide variant.
Coding change: c.840G>A on transcript NM_015274.3 (MANE Select); coding-DNA position 840, G replaced by A.
Protein change: p.Pro280=; no amino-acid change (proline 280 retained).
Molecular consequence: synonymous variant. On other transcripts: intron variant (1).
Genome position (GRCh38, 1-based): chr4:6,593,332, G>A. VCF-style: chr4-6593332-G-A. GRCh37 (hg19) VCF-style: chr4-6595059-G-A.
Other names: c.792+48G>A (NM_001292038.2).
Identifiers: ClinVar variation 2654623 (VCV002654623.24), dbSNP rs766523329, ClinGen allele CA2840702.